The following is an entry in ClinVar:

NM_001378778.1(MPDZ):c.1778_1779insGTGGAGACGAG (p.Phe594fs)

Gene: MPDZ (multiple PDZ domain crumbs cell polarity complex component; minus strand). Cytogenetic location: 9p23.
Variant type: Insertion.
Coding change: c.1778_1779insGTGGAGACGAG on transcript NM_001378778.1 (MANE Select); coding-DNA positions 1778 to 1779, GTGGAGACGAG inserted.
Protein change: p.Phe594fs; shifts the reading frame from phenylalanine 594.
Molecular consequence: frameshift variant.
Genome position: GRCh38 VCF-style: chr9-13193191-G-GCTCGTCTCCAC. GRCh37 (hg19) VCF-style: chr9-13193190-G-GCTCGTCTCCAC.
Other names: c.1778_1779insGTGGAGACGAG, p.Phe594fs (NM_001330637.2, NM_001375413.1, NM_001375416.1 and 14 more transcripts); short protein forms F594fs.
Identifiers: ClinVar variation 3685024 (VCV003685024.2).

ClinVar aggregate classification (germline): Pathogenic (1 of 4 stars; one submission).

Submission:

Labcorp Genetics (formerly Invitae), Labcorp
Classification: Pathogenic. Last evaluated: 2024-04-29. Review status: criteria provided, single submitter. Criteria: Invitae Variant Classification Sherloc (09022015). Collection method: clinical testing. Allele origin: germline.
Comment: This sequence change creates a premature translational stop signal (p.Phe594Trpfs*13) in the MPDZ gene. It is expected to result in an absent or disrupted protein product. Loss-of-function variants in MPDZ are known to be pathogenic (PMID: 23240096, 28556411). This variant is not present in population databases (gnomAD no frequency). This variant has not been reported in the literature in individuals affected with MPDZ-related conditions. For these reasons, this variant has been classified as Pathogenic.

Literature cited by the submitters: PubMed 23240096; PubMed 28556411.